The following is an entry in ClinVar:

NM_001330078.2(NRXN1):c.1426G>A (p.Val476Ile)

Gene: NRXN1 (neurexin 1; minus strand). Cytogenetic location: 2p16.3.
Variant type: single nucleotide variant.
Coding change: c.1426G>A on transcript NM_001330078.2 (MANE Select); coding-DNA position 1426, G replaced by A.
Protein change: p.Val476Ile; replaces valine 476 with isoleucine.
Molecular consequence: missense variant.
Genome position (GRCh38, 1-based): chr2:50,552,920, C>T on the plus strand (G>A on the coding strand, the complement: NRXN1 is on the minus strand). VCF-style: chr2-50552920-C-T. GRCh37 (hg19) VCF-style: chr2-50780058-C-T.
Other names: c.1546G>A, p.Val516Ile (NM_001135659.3); c.1402G>A, p.Val468Ile (NM_001330077.2, NM_001330082.2, NM_001330095.2); c.1387G>A, p.Val463Ile (NM_001330083.2, NM_001330084.2); c.1426G>A, p.Val476Ile (NM_001330085.2, NM_001330086.2, NM_004801.6); c.1342G>A, p.Val448Ile (NM_001330087.2, NM_001330096.2); c.1372G>A, p.Val458Ile (NM_001330088.2); c.1423G>A, p.Val475Ile (NM_001330093.2); c.1414G>A, p.Val472Ile (NM_001330094.2); short protein forms V468I, V463I, V476I, V516I, V472I, V448I, V458I, V475I.
Identifiers: ClinVar variation 2083173 (VCV002083173.4), dbSNP rs763825271, ClinGen allele CA1655035.

ClinVar aggregate classification (germline): Uncertain significance (1 of 4 stars; one submission).

Conditions:
Pitt-Hopkins-like syndrome 2 (PTHSL2). Identifiers: Orphanet 221150, Orphanet 600663, MedGen C3280479, MONDO:0013690, OMIM 614325.

Allele frequency attached by ClinVar (database versions not stated): ExAC 0.00001; gnomAD exomes 0.00001.
gnomAD v4.1: 4 of 1,613,902 alleles (0.00025%); highest among the groups gnomAD compares: Non-Finnish European, 0.00034%; no homozygotes.

Submission:

Labcorp Genetics (formerly Invitae), Labcorp
Classification: Uncertain significance for Pitt-Hopkins-like syndrome 2. Last evaluated: 2022-01-15. Review status: criteria provided, single submitter. Criteria: Invitae Variant Classification Sherloc (09022015). Collection method: clinical testing. Allele origin: germline.
Comment: This sequence change replaces valine, which is neutral and non-polar, with isoleucine, which is neutral and non-polar, at codon 516 of the NRXN1 protein (p.Val516Ile). In summary, the available evidence is currently insufficient to determine the role of this variant in disease. Therefore, it has been classified as a Variant of Uncertain Significance. Algorithms developed to predict the effect of missense changes on protein structure and function are either unavailable or do not agree on the potential impact of this missense change (SIFT: "Tolerated"; PolyPhen-2: "Probably Damaging"; Align-GVGD: "Class C0"). This variant has not been reported in the literature in individuals affected with NRXN1-related conditions. This variant is present in population databases (rs763825271, gnomAD 0.002%).